The following is an entry in ClinVar:

NM_020719.3(PRR12):c.2309C>T (p.Thr770Met)

Gene: PRR12 (proline rich 12; plus strand). Cytogenetic location: 19q13.33.
Variant type: single nucleotide variant.
Coding change: c.2309C>T on transcript NM_020719.3 (MANE Select); coding-DNA position 2309, C replaced by T.
Protein change: p.Thr770Met; replaces threonine 770 with methionine.
Molecular consequence: missense variant.
Genome position (GRCh38, 1-based): chr19:49,596,644, C>T. VCF-style: chr19-49596644-C-T. GRCh37 (hg19) VCF-style: chr19-50099901-C-T.
Other names: short protein forms T770M.
Identifiers: ClinVar variation 3053703 (VCV003053703.6), dbSNP rs757745814, ClinGen allele CA9578072.

ClinVar aggregate classification (germline): Likely benign. Review status: criteria provided, single submitter (1 of 4 stars). 2 submissions from 2 submitters: Likely benign (1). 1 of the submissions does not count toward it. Last evaluated 2025-12-01.

Conditions:
PRR12-related disorder. Also called: PRR12-related condition.

Allele frequency attached by ClinVar (database versions not stated): ExAC 0.00028; gnomAD 0.00005; gnomAD exomes 0.00006; TOPMed 0.00014.
gnomAD v4.1: 96 of 1,597,586 alleles (0.006%); highest among the groups gnomAD compares: Admixed American, 0.12%; no homozygotes.

Submissions (2):

CeGaT Center for Human Genetics Tuebingen
Classification: Likely benign. Last evaluated: 2025-12-01. Review status: criteria provided, single submitter. Criteria: CeGaT Center For Human Genetics Tuebingen Variant Classification Criteria Version 2. Collection method: clinical testing. Allele origin: germline. Affected: yes. Observed: 1 variant allele.
Comment: PRR12: BS2

PreventionGenetics, part of Exact Sciences
Classification: Likely benign for PRR12-related condition. Last evaluated: 2023-10-26. Review status: no assertion criteria provided. Collection method: clinical testing. Allele origin: germline. Not counted in ClinVar's aggregate classification.
Comment: This variant is classified as likely benign based on ACMG/AMP sequence variant interpretation guidelines (Richards et al. 2015 PMID: 25741868, with internal and published modifications).